The following is an entry in ClinVar:

NM_033641.4(COL4A6):c.3007C>T (p.Pro1003Ser)

Gene: COL4A6 (collagen type IV alpha 6 chain; minus strand). Cytogenetic location: Xq22.3.
Variant type: single nucleotide variant.
Coding change: c.3007C>T on transcript NM_033641.4 (MANE Select); coding-DNA position 3007, C replaced by T.
Protein change: p.Pro1003Ser; replaces proline 1003 with serine.
Molecular consequence: missense variant.
Genome position (GRCh38, 1-based): chrX:108,174,571, G>A on the plus strand (C>T on the coding strand, the complement: COL4A6 is on the minus strand). VCF-style: chrX-108174571-G-A. GRCh37 (hg19) VCF-style: chrX-107417801-G-A.
Other names: c.3058C>T, p.Pro1020Ser (NM_001287758.2); c.3007C>T, p.Pro1003Ser (NM_001287759.2, NM_001287760.2); c.3010C>T, p.Pro1004Ser (NM_001847.4); short protein forms P1003S, P1004S, P1020S.
Identifiers: ClinVar variation 3623509 (VCV003623509.2).

ClinVar aggregate classification (germline): Uncertain significance (1 of 4 stars; one submission).

gnomAD v4.1: 3 of 1,204,756 alleles (0.00025%); highest among the groups gnomAD compares: Admixed American, 0.0067%; no homozygotes.

Submission:

Labcorp Genetics (formerly Invitae), Labcorp
Classification: Uncertain significance. Last evaluated: 2024-03-31. Review status: criteria provided, single submitter. Criteria: Invitae Variant Classification Sherloc (09022015). Collection method: clinical testing. Allele origin: germline.
Comment: This sequence change replaces proline, which is neutral and non-polar, with serine, which is neutral and polar, at codon 1004 of the COL4A6 protein (p.Pro1004Ser). This variant is present in population databases (rs769940629, gnomAD 0.01%). This variant has not been reported in the literature in individuals affected with COL4A6-related conditions. Advanced modeling of protein sequence and biophysical properties (such as structural, functional, and spatial information, amino acid conservation, physicochemical variation, residue mobility, and thermodynamic stability) performed at Invitae indicates that this missense variant is not expected to disrupt COL4A6 protein function with a negative predictive value of 80%. In summary, the available evidence is currently insufficient to determine the role of this variant in disease. Therefore, it has been classified as a Variant of Uncertain Significance.